The following is an entry in ClinVar:

ClinVar aggregate classification (germline): Pathogenic (3 of 4 stars; one submission).

Conditions:
Breast-ovarian cancer, familial, susceptibility to, 2 (BROVCA2). Also called: BRCA2 Hereditary Breast and Ovarian Cancer. Identifiers: Orphanet 145, MedGen C2675520, MONDO:0012933, OMIM 612555. Disease mechanism: loss of function.

Submission:

Evidence-based Network for the Interpretation of Germline Mutant Alleles (ENIGMA)
Classification: Pathogenic for Breast-ovarian cancer, familial, susceptibility to, 2. Last evaluated: 2017-12-15. Review status: reviewed by expert panel. Criteria: ENIGMA BRCA1/2 Classification Criteria (2017-06-29). Collection method: curation. Allele origin: germline. Study: ENIGMA.
Comment: Variant allele predicted to encode a truncated non-functional protein.

NM_000059.4(BRCA2):c.2201_2202insAA (p.Ala735fs)

Gene: BRCA2 (BRCA2 DNA repair associated; plus strand). Cytogenetic location: 13q13.1.
Variant type: Insertion.
Coding change: c.2201_2202insAA on transcript NM_000059.4 (MANE Select); coding-DNA positions 2201 to 2202, AA inserted.
Protein change: p.Ala735fs; shifts the reading frame from alanine 735.
Molecular consequence: frameshift variant.
Genome position: GRCh38 VCF-style: chr13-32336556-T-TAA. GRCh37 (hg19) VCF-style: chr13-32910693-T-TAA.
Other names: short protein forms A735fs.
Identifiers: ClinVar variation 548379 (VCV000548379.1), dbSNP rs1555282521, ClinGen allele CA658823614.